The following is an entry in ClinVar:

ClinVar aggregate classification (germline): Uncertain significance (1 of 4 stars; one submission).

Conditions:
Hypertrophic cardiomyopathy. Also called: HYPERTROPHIC MYOCARDIOPATHY. Identifiers: Orphanet 217569, MedGen C0007194, MeSH D002312, MONDO:0005045, HP:0001639.

gnomAD v4.1: 27 of 1,614,092 alleles (0.0017%); highest among the groups gnomAD compares: Non-Finnish European, 0.0022%; no homozygotes.

Submission:

Labcorp Genetics (formerly Invitae), Labcorp
Classification: Uncertain significance for Hypertrophic cardiomyopathy. Last evaluated: 2025-11-13. Review status: criteria provided, single submitter. Criteria: Invitae Variant Classification Sherloc (09022015). Collection method: clinical testing. Allele origin: germline.
Comment: This sequence change replaces isoleucine, which is neutral and non-polar, with serine, which is neutral and polar, at codon 323 of the MYH7 protein (p.Ile323Ser). This variant is present in population databases (rs397516275, gnomAD 0.003%). This variant has not been reported in the literature in individuals affected with MYH7-related conditions. ClinVar contains an entry for this variant (Variation ID: 571427). Invitae Evidence Modeling of protein sequence and biophysical properties (such as structural, functional, and spatial information, amino acid conservation, physicochemical variation, residue mobility, and thermodynamic stability) indicates that this missense variant is expected to disrupt MYH7 protein function with a positive predictive value of 95%. In summary, the available evidence is currently insufficient to determine the role of this variant in disease. Therefore, it has been classified as a Variant of Uncertain Significance.

NM_000257.4(MYH7):c.968T>G (p.Ile323Ser)

Gene: MYH7 (myosin heavy chain 7; minus strand). Cytogenetic location: 14q11.2.
Variant type: single nucleotide variant.
Coding change: c.968T>G on transcript NM_000257.4 (MANE Select); coding-DNA position 968, T replaced by G.
Protein change: p.Ile323Ser; replaces isoleucine 323 with serine.
Molecular consequence: missense variant.
Genome position (GRCh38, 1-based): chr14:23,430,591, A>C on the plus strand (T>G on the coding strand, the complement: MYH7 is on the minus strand). VCF-style: chr14-23430591-A-C. GRCh37 (hg19) VCF-style: chr14-23899800-A-C.
Other names: short protein forms I323S.
Identifiers: ClinVar variation 571427 (VCV000571427.8), dbSNP rs397516275, ClinGen allele CA049840.